The following is an entry in ClinVar:

ClinVar aggregate classification (germline): Benign/Likely benign. Review status: criteria provided, multiple submitters, no conflicts (2 of 4 stars). 4 submissions from 4 submitters: Benign (3); Likely benign (1). Last evaluated 2026-09-01.

Conditions:
KCNC2-related disorder.

Allele frequency attached by ClinVar (database versions not stated): 1000 Genomes Project 0.00160; 1000 Genomes Project 30x 0.00187; gnomAD 0.00397 and 0.00410; TOPMed 0.00422; ExAC 0.00437; gnomAD exomes 0.00461 and 0.00633; ESP Exome Variant Server 0.00584.
gnomAD v4.1: 9,904 of 1,613,568 alleles (0.61%); highest among the groups gnomAD compares: Non-Finnish European, 0.71%; 46 homozygotes.

Submissions (4):

CeGaT Center for Human Genetics Tuebingen
Classification: Likely benign. Last evaluated: 2026-09-01. Review status: criteria provided, single submitter. Criteria: CeGaT Center For Human Genetics Tuebingen Variant Classification Criteria Version 2. Collection method: clinical testing. Allele origin: germline. Affected: yes. Observed: 11 variant alleles.
Comment: KCNC2: BP4, BS2

PreventionGenetics, part of Exact Sciences
Classification: Benign for KCNC2-related condition. Last evaluated: 2024-12-01. Review status: criteria provided, single submitter. Criteria: ACMG Guidelines, 2015. Collection method: clinical testing. Allele origin: germline.
Comment: This variant is classified as benign based on ACMG/AMP sequence variant interpretation guidelines (Richards et al. 2015 PMID: 25741868, with internal and published modifications).

Labcorp Genetics (formerly Invitae), Labcorp
Classification: Benign. Last evaluated: 2019-12-31. Review status: criteria provided, single submitter. Criteria: Invitae Variant Classification Sherloc (09022015). Collection method: clinical testing. Allele origin: germline.

Breakthrough Genomics
Classification: Benign. Review status: criteria provided, single submitter. Criteria: ACMG Guidelines, 2015. Collection method: not provided. Allele origin: germline. Inheritance: Autosomal dominant inheritance. Affected: yes.

NM_139137.4(KCNC2):c.1146T>C (p.Phe382=)

Gene: KCNC2 (potassium voltage-gated channel subfamily C member 2; minus strand). Cytogenetic location: 12q21.1.
Variant type: single nucleotide variant.
Coding change: c.1146T>C on transcript NM_139137.4 (MANE Select); coding-DNA position 1146, T replaced by C.
Protein change: p.Phe382=; no amino-acid change (phenylalanine 382 retained).
Molecular consequence: synonymous variant.
Genome position (GRCh38, 1-based): chr12:75,050,859, A>G on the plus strand (T>C on the coding strand, the complement: KCNC2 is on the minus strand). VCF-style: chr12-75050859-A-G. GRCh37 (hg19) VCF-style: chr12-75444639-A-G.
Other names: c.1146T>C, p.Phe382= (NM_001260497.2, NM_001260498.2, NM_001260499.2 and 2 more transcripts).
Identifiers: ClinVar variation 774899 (VCV000774899.30), dbSNP rs149433460, ClinGen allele CA6691135.